The following is an entry in ClinVar:

NM_000031.6(ALAD):c.520C>T (p.Arg174Cys)

Gene: ALAD (aminolevulinate dehydratase; minus strand). Cytogenetic location: 9q32.
Variant type: single nucleotide variant.
Coding change: c.520C>T on transcript NM_000031.6 (MANE Select); coding-DNA position 520, C replaced by T.
Protein change: p.Arg174Cys; replaces arginine 174 with cysteine.
Molecular consequence: missense variant.
Genome position (GRCh38, 1-based): chr9:113,390,455, G>A on the plus strand (C>T on the coding strand, the complement: ALAD is on the minus strand). VCF-style: chr9-113390455-G-A. GRCh37 (hg19) VCF-style: chr9-116152735-G-A.
Other names: c.607C>T, p.Arg203Cys (NM_001003945.3); c.496C>T, p.Arg166Cys (NM_001317745.2); short protein forms R174C, R203C, R166C.
Identifiers: ClinVar variation 548951 (VCV000548951.3), dbSNP rs758622234, ClinGen allele CA5196466.

ClinVar aggregate classification (germline): Uncertain significance. Review status: criteria provided, single submitter (1 of 4 stars). 2 submissions from 2 submitters: Uncertain significance (1). 1 of the submissions does not count toward it. Last evaluated 2025-11-11.

Conditions:
Porphobilinogen synthase deficiency. Also called: Porphyria due to ALA dehydratase deficiency; ALAD DEFICIENCY; DELTA-AMINOLEVULINATE DEHYDRATASE DEFICIENCY; DOSS PORPHYRIA; PORPHYRIA, ALAD. Identifiers: Orphanet 100924, MedGen C0268328, MONDO:0013000, OMIM 612740.
Inborn genetic diseases. Identifiers: MedGen C0950123, MeSH D030342.

Allele frequency attached by ClinVar (database versions not stated): TOPMed 0.00002.
gnomAD v4.1: 49 of 1,613,962 alleles (0.003%); highest among the groups gnomAD compares: Admixed American, 0.0083%; no homozygotes.

Submissions (2):

Ambry Genetics
Classification: Uncertain significance for Inborn genetic diseases. Last evaluated: 2025-11-11. Review status: criteria provided, single submitter. Criteria: Ambry Variant Classification Scheme 2023. Collection method: clinical testing. Allele origin: germline.

Foundation for Research in Genetics and Endocrinology, FRIGE's Institute of Human Genetics
Classification: Uncertain significance for Porphobilinogen synthase deficiency. Last evaluated: 2018-07-10. Review status: no assertion criteria provided. Collection method: clinical testing. Allele origin: germline. Inheritance: Autosomal recessive inheritance. Affected: yes. Observed: 1 variant allele, 1 homozygote. Not counted in ClinVar's aggregate classification.
Comment: The observed variant c.520C>T is not observed in 1000 Genomes. Its minor allele frequency in ExAC database is 0.0000248. The in silico prediction of the given variant is diseases causing by MutationTaster2, damaging by SIFT and probably damaging by PolyPhen2.